The following is an entry in ClinVar:

ClinVar aggregate classification (germline): Conflicting classifications of pathogenicity. Review status: criteria provided, conflicting classifications (1 of 4 stars). 3 submissions from 3 submitters: Uncertain significance (2); Likely benign (1). Last evaluated 2025-09-02.

Conditions:
Hereditary cancer-predisposing syndrome. Also called: Hereditary neoplastic syndrome; Tumor predisposition; Neoplastic Syndromes, Hereditary; Hereditary Cancer Syndrome. Identifiers: Orphanet 140162, MedGen C0027672, MeSH D009386, MONDO:0015356.
Hereditary breast ovarian cancer syndrome. Also called: Hereditary breast and ovarian cancer syndrome; Breast and ovarian cancer; Hereditary breast and ovarian cancer; Hereditary breast and/or ovarian cancer syndrome; Hereditary breast and ovarian cancer syndrome (HBOC); BRCA1- and BRCA2-Associated Hereditary Breast and Ovarian Cancer. Identifiers: Orphanet 145, MedGen C0677776, MeSH D061325, MONDO:0003582. Disease mechanism: loss of function.

Submissions (3):

Ambry Genetics
Classification: Uncertain significance for Hereditary cancer-predisposing syndrome. Last evaluated: 2025-09-02. Review status: criteria provided, single submitter. Criteria: Ambry Variant Classification Scheme 2023. Collection method: clinical testing. Allele origin: germline.
Comment: The p.V2066F variant (also known as c.6196G>T), located in coding exon 10 of the BRCA2 gene, results from a G to T substitution at nucleotide position 6196. The valine at codon 2066 is replaced by phenylalanine, an amino acid with highly similar properties. This amino acid position is highly conserved in available vertebrate species. In addition, this alteration is predicted to be deleterious by in silico analysis. Based on the available evidence, the clinical significance of this variant remains unclear.

University of Washington Department of Laboratory Medicine, University of Washington
Classification: Likely benign for Hereditary cancer-predisposing syndrome. Last evaluated: 2023-03-23. Review status: criteria provided, single submitter. Criteria: Dines et al. (Genet Med. 2020). Collection method: curation. Allele origin: germline.
Comment: Missense variant in a coldspot region where missense variants are very unlikely to be pathogenic (PMID:31911673).

BRCA2 exon 11 coldspot. Reclassification based on statistical prior probability.

Labcorp Genetics (formerly Invitae), Labcorp
Classification: Uncertain significance for Hereditary breast ovarian cancer syndrome. Last evaluated: 2018-06-23. Review status: criteria provided, single submitter. Criteria: Invitae Variant Classification Sherloc (09022015). Collection method: clinical testing. Allele origin: germline.
Comment: In summary, the available evidence is currently insufficient to determine the role of this variant in disease. Therefore, it has been classified as a Variant of Uncertain Significance. Algorithms developed to predict the effect of missense changes on protein structure and function (SIFT, PolyPhen-2, Align-GVGD) all suggest that this variant is likely to be disruptive, but these predictions have not been confirmed by published functional studies and their clinical significance is uncertain. This variant has not been reported in the literature in individuals with BRCA2-related disease. This variant is not present in population databases (ExAC no frequency). This sequence change replaces valine with phenylalanine at codon 2066 of the BRCA2 protein (p.Val2066Phe). The valine residue is highly conserved and there is a small physicochemical difference between valine and phenylalanine.

NM_000059.4(BRCA2):c.6196G>T (p.Val2066Phe)

Gene: BRCA2 (BRCA2 DNA repair associated; plus strand). Cytogenetic location: 13q13.1.
Variant type: single nucleotide variant.
Coding change: c.6196G>T on transcript NM_000059.4 (MANE Select); coding-DNA position 6196, G replaced by T.
Protein change: p.Val2066Phe; replaces valine 2066 with phenylalanine.
Molecular consequence: missense variant.
Genome position (GRCh38, 1-based): chr13:32,340,551, G>T. VCF-style: chr13-32340551-G-T. GRCh37 (hg19) VCF-style: chr13-32914688-G-T.
Other names: short protein forms V2066F.
Identifiers: ClinVar variation 570681 (VCV000570681.11), dbSNP rs397507365, ClinGen allele CA387788827.
Genomic context (GRCh38, chr13:32,340,551, plus strand): 5'-TCATATAATGTGGTAAATTCATCTGCTTTCTCTGGATTTAGTACAGCAAGTGGAAAGCAA[G>T]TTTCCATTTTAGAAAGTTCCTTACACAAAGTTAAGGGAGTGTTAGAGGAATTTGATTTAA-3'
Protein context (NP_000050.3, residues 2056-2076): SGFSTASGKQ[Val2066Phe]SILESSLHKV